The following is an entry in ClinVar:

NM_014339.7(IL17RA):c.2178G>T (p.Ser726=)

Gene: IL17RA (interleukin 17 receptor A; plus strand). Cytogenetic location: 22q11.1.
Variant type: single nucleotide variant.
Coding change: c.2178G>T on transcript NM_014339.7 (MANE Select); coding-DNA position 2178, G replaced by T.
Protein change: p.Ser726=; no amino-acid change (serine 726 retained).
Molecular consequence: synonymous variant.
Genome position (GRCh38, 1-based): chr22:17,109,397, G>T. VCF-style: chr22-17109397-G-T. GRCh37 (hg19) VCF-style: chr22-17590287-G-T.
Other names: c.2076G>T, p.Ser692= (NM_001289905.2).
Identifiers: ClinVar variation 896565 (VCV000896565.4), dbSNP rs1261613548, ClinGen allele CA513177962.

ClinVar aggregate classification (germline): Uncertain significance (1 of 4 stars; one submission).

Conditions:
Immunodeficiency 51 (IMD51). Also called: CANDIDIASIS, FAMILIAL, 5. Identifiers: Orphanet 1334, MedGen C4310803, MONDO:0013500, OMIM 613953.

Allele frequency attached by ClinVar (database versions not stated): gnomAD 0.00001.
gnomAD v4.1: 2 of 1,612,754 alleles (0.00012%); highest among the groups gnomAD compares: Non-Finnish European, 0.00017%; no homozygotes.

Submission:

Illumina Laboratory Services, Illumina
Classification: Uncertain significance for Immunodeficiency 51. Last evaluated: 2017-11-06. Review status: criteria provided, single submitter. Criteria: ICSL Variant Classification Criteria 13 December 2019. Collection method: clinical testing. Allele origin: germline.
Comment: This variant was observed as part of a predisposition screen in an ostensibly healthy population. A literature search was performed for the gene, cDNA change, and amino acid change (where applicable). Publications were found based on this search. However, the evidence from the literature, in combination with allele frequency data from public databases where available, was not sufficient to rule this variant in or out of causing disease. Therefore, this variant is classified as a variant of unknown significance.

Literature cited by the submitters: PubMed 26871944.